The following is an entry in ClinVar:

NM_022788.5(P2RY12):c.-179-15174C>T

Genes: MED12L (mediator complex subunit 12L; plus strand), P2RY12 (purinergic receptor P2Y12; minus strand). Cytogenetic location: 3q25.1.
Variant type: single nucleotide variant.
Coding change: c.-179-15174C>T on transcript NM_022788.5 (MANE Select); 15174 bases into the intron before 179 bases upstream of the start codon, C replaced by T.
Molecular consequence: intron variant. On other transcripts: synonymous variant (2).
Genome position (GRCh38, 1-based): chr3:151,355,934, G>A on the plus strand (C>T on the coding strand, the complement: P2RY12 is on the minus strand). VCF-style: chr3-151355934-G-A. GRCh37 (hg19) VCF-style: chr3-151073722-G-A.
Other names: c.2556G>A, p.Ala852= (NM_001393769.1); c.2451G>A, p.Ala817= (NM_053002.6).
Identifiers: ClinVar variation 3352083 (VCV003352083.1).

ClinVar aggregate classification (germline): Likely benign (0 of 4 stars; one submission).

Conditions:
P2RY12-related disorder. Also called: P2RY12-related condition.

gnomAD v4.1: 57 of 1,613,840 alleles (0.0035%); highest among the groups gnomAD compares: South Asian, 0.046%; 1 homozygote.

Submission:

PreventionGenetics, part of Exact Sciences
Classification: Likely benign for P2RY12-related condition. Last evaluated: 2024-03-18. Review status: no assertion criteria provided. Collection method: clinical testing. Allele origin: germline.
Comment: This variant is classified as likely benign based on ACMG/AMP sequence variant interpretation guidelines (Richards et al. 2015 PMID: 25741868, with internal and published modifications).